The following is an entry in ClinVar:

ClinVar aggregate classification (germline): Uncertain significance (1 of 4 stars; one submission).

Submission:

GeneDx
Classification: Uncertain significance. Last evaluated: 2022-11-30. Review status: criteria provided, single submitter. Criteria: GeneDx Variant Classification Process June 2021. Collection method: clinical testing. Allele origin: germline. Affected: yes.
Comment: Not observed at significant frequency in large population cohorts (gnomAD); In silico analysis supports that this missense variant does not alter protein structure/function; Has not been previously published as pathogenic or benign to our knowledge

NM_003482.4(KMT2D):c.3232G>A (p.Val1078Ile)

Gene: KMT2D (lysine methyltransferase 2D; minus strand). Cytogenetic location: 12q13.12.
Variant type: single nucleotide variant.
Coding change: c.3232G>A on transcript NM_003482.4 (MANE Select); coding-DNA position 3232, G replaced by A.
Protein change: p.Val1078Ile; replaces valine 1078 with isoleucine.
Molecular consequence: missense variant.
Genome position (GRCh38, 1-based): chr12:49,050,356, C>T on the plus strand (G>A on the coding strand, the complement: KMT2D is on the minus strand). VCF-style: chr12-49050356-C-T. GRCh37 (hg19) VCF-style: chr12-49444139-C-T.
Other names: short protein forms V1078I.
Identifiers: ClinVar variation 1802113 (VCV001802113.1), dbSNP rs2498446187, ClinGen allele CA384658482.
Genomic context (GRCh38, chr12:49,050,356, plus strand): 5'-TTGGGGAAGGGAGAGGACTGGTGGCACTGGGTTCCAAGGCTGGGCATTCAGGTTCTGAAA[C>T]TTTCTCAGTCTCCATCTCGTGCAGCTCAGCCTCATCTGAGACCCCCACTACCTTCCCTAT-3'
Protein context (NP_003473.3, residues 1068-1088): AELHEMETEK[Val1078Ile]SEPECPALEP